The following is an entry in ClinVar:

NM_004208.4(AIFM1):c.875G>A (p.Ser292Asn)

Genes: AIFM1 (apoptosis inducing factor mitochondria associated 1; minus strand), RAB33A (RAB33A, member RAS oncogene family; plus strand). Cytogenetic location: Xq26.1.
Variant type: single nucleotide variant.
Coding change: c.875G>A on transcript NM_004208.4 (MANE Select); coding-DNA position 875, G replaced by A.
Protein change: p.Ser292Asn; replaces serine 292 with asparagine.
Molecular consequence: missense variant. On other transcripts: non-coding transcript variant (1).
Genome position (GRCh38, 1-based): chrX:130,138,685, C>T on the plus strand (G>A on the coding strand, the complement: AIFM1 is on the minus strand). VCF-style: chrX-130138685-C-T. GRCh37 (hg19) VCF-style: chrX-129272660-C-T.
Other names: c.875G>A, p.Ser292Asn (NM_001130847.4); c.863G>A, p.Ser288Asn (NM_145812.3); short protein forms S288N, S292N.
Identifiers: ClinVar variation 2002634 (VCV002002634.4), dbSNP rs2523126640, ClinGen allele CA414581683.

ClinVar aggregate classification (germline): Uncertain significance (1 of 4 stars; one submission).

Conditions:
Combined oxidative phosphorylation deficiency. Identifiers: MedGen C4540031, MONDO:0000732.
Charcot-Marie-Tooth Neuropathy X. Identifiers: MedGen CN118851.

Submission:

Labcorp Genetics (formerly Invitae), Labcorp
Classification: Uncertain significance for Charcot-Marie-Tooth Neuropathy X; Combined oxidative phosphorylation deficiency. Last evaluated: 2022-06-07. Review status: criteria provided, single submitter. Criteria: Invitae Variant Classification Sherloc (09022015). Collection method: clinical testing. Allele origin: germline.
Comment: This sequence change replaces serine, which is neutral and polar, with asparagine, which is neutral and polar, at codon 292 of the AIFM1 protein (p.Ser292Asn). This variant is not present in population databases (gnomAD no frequency). This variant has not been reported in the literature in individuals affected with AIFM1-related conditions. Advanced modeling of protein sequence and biophysical properties (such as structural, functional, and spatial information, amino acid conservation, physicochemical variation, residue mobility, and thermodynamic stability) performed at Invitae indicates that this missense variant is not expected to disrupt AIFM1 protein function. In summary, the available evidence is currently insufficient to determine the role of this variant in disease. Therefore, it has been classified as a Variant of Uncertain Significance.